The following is an entry in ClinVar:

NM_000169.3(GLA):c.1213del (p.Ser405fs)

Genes: GLA (galactosidase alpha; minus strand), RPL36A-HNRNPH2 (RPL36A-HNRNPH2 readthrough; plus strand). Cytogenetic location: Xq22.1.
Variant type: Deletion.
Coding change: c.1213del on transcript NM_000169.3 (MANE Select); coding-DNA position 1213, one base deleted (A; older notation c.1213delA).
Protein change: p.Ser405fs; shifts the reading frame from serine 405.
Molecular consequence: frameshift variant. On other transcripts: non-coding transcript variant (3), intron variant (2).
Genome position (GRCh38, 1-based): chrX:101,397,886, T deleted on the plus strand (A on the coding strand, the reverse complement: GLA is on the minus strand); the first of 2 consecutive T bases (chrX:101,397,886-101,397,887); deleting either gives the same sequence. VCF-style (leftmost placement, unchanged base first): chrX-101397885-CT-C. GRCh37 (hg19) VCF-style: chrX-100652873-CT-C.
Other names: c.1336del, p.Ser446fs (NM_001406747.1); c.300+2430del (NM_001199973.2); c.177+6065del (NM_001199974.2); short protein forms S405fs, S446fs.
Identifiers: ClinVar variation 4087081 (VCV004087081.2).
Genomic context (GRCh38, chrX:101,397,885, plus strand): 5'-AATGACATCTGCATTGTATTTTCTAGCTGAAGCAAAACAGTGCCTGTGGGATTTATGTGA[CT>C]TCTTAACCTTGAAGTCCATTCATAGAACCCTAGCTTCCTTTTCACAGGGAGGAGCTGTGT-3'

ClinVar aggregate classification (germline): Pathogenic (1 of 4 stars; one submission).

Conditions:
Fabry disease. Also called: ALPHA-GALACTOSIDASE A DEFICIENCY; ANDERSON-FABRY DISEASE; CERAMIDE TRIHEXOSIDASE DEFICIENCY; GLA DEFICIENCY; HEREDITARY DYSTOPIC LIPIDOSIS; Angiokeratoma corporis diffusum. Identifiers: Orphanet 324, MedGen C0002986, MONDO:0010526, OMIM 301500, HP:0001071. Disease mechanism: Fabry disease is due to inactivating mutations in the X-linked GLA gene resulting in deficiency of the enzyme Alpha Galactosidase-A., loss of function.

Submission:

Genomenon, Inc
Classification: Pathogenic for Fabry disease. Last evaluated: 2026-09-08. Review status: criteria provided, single submitter. Criteria: Genomenon Sequence Variant Interpretation Standards - Updated. Collection method: curation. Allele origin: germline. Affected: yes.
Comment: GLA p.Ser405ValfsTer3 (c.1213del) is a frameshift variant that is predicted to introduce a premature termination codon and result in a truncated or absent protein product. This variant has been observed in at least one proband with clinical features consistent with Fabry disease (PMID:38308295). It is absent or not present at a significant frequency in gnomAD. In conclusion, we classify GLA p.Ser405ValfsTer3 (c.1213del) as a pathogenic variant.

Literature cited by the submitters: PubMed 38308295.